The following is an entry in ClinVar:

ClinVar aggregate classification (germline): Benign. Review status: criteria provided, multiple submitters, no conflicts (2 of 4 stars). 2 submissions from 2 submitters: Benign (2). Last evaluated 2018-06-18.

Allele frequency attached by ClinVar (database versions not stated): ESP Exome Variant Server 0.15968; gnomAD 0.16906 and 0.18117; TOPMed 0.17255; gnomAD exomes 0.22850 and 0.23916; ExAC 0.23673; 1000 Genomes Project 0.23868; 1000 Genomes Project 30x 0.23975.
gnomAD v4.1: 238,397 of 1,065,549 alleles (22%); highest among the groups gnomAD compares: South Asian, 54%; 18,424 homozygotes.

Submissions (2):

GeneDx
Classification: Benign. Last evaluated: 2018-06-18. Review status: criteria provided, single submitter. Criteria: GeneDx Variant Classification (06012015). Collection method: clinical testing. Allele origin: germline. Affected: yes.
Comment: This variant is considered likely benign or benign based on one or more of the following criteria: it is a conservative change, it occurs at a poorly conserved position in the protein, it is predicted to be benign by multiple in silico algorithms, and/or has population frequency not consistent with disease.

Breakthrough Genomics
Classification: Benign. Review status: criteria provided, single submitter. Criteria: ACMG Guidelines, 2015. Collection method: not provided. Allele origin: germline. Inheritance: X-linked inheritance. Affected: yes.

NM_001110556.2(FLNA):c.869-41C>T

Gene: FLNA (filamin A; minus strand). Cytogenetic location: Xq28.
Variant type: single nucleotide variant.
Coding change: c.869-41C>T on transcript NM_001110556.2 (MANE Select); 41 bases into the intron before coding-DNA position 869, C replaced by T.
Molecular consequence: intron variant.
Genome position (GRCh38, 1-based): chrX:154,366,891, G>A on the plus strand (C>T on the coding strand, the complement: FLNA is on the minus strand). VCF-style: chrX-154366891-G-A. GRCh37 (hg19) VCF-style: chrX-153595259-G-A.
Other names: c.869-41C>T (NM_001456.4).
Identifiers: ClinVar variation 670952 (VCV000670952.2), dbSNP rs4898479, ClinGen allele CA10561342.